The following is an entry in ClinVar:

NM_000326.5(RLBP1):c.275A>G (p.Asp92Gly)

Gene: RLBP1 (retinaldehyde binding protein 1; minus strand). Cytogenetic location: 15q26.1.
Variant type: single nucleotide variant.
Coding change: c.275A>G on transcript NM_000326.5 (MANE Select); coding-DNA position 275, A replaced by G.
Protein change: p.Asp92Gly; replaces aspartic acid 92 with glycine.
Molecular consequence: missense variant.
Genome position (GRCh38, 1-based): chr15:89,217,191, T>C on the plus strand (A>G on the coding strand, the complement: RLBP1 is on the minus strand). VCF-style: chr15-89217191-T-C. GRCh37 (hg19) VCF-style: chr15-89760422-T-C.
Other names: short protein forms D92G.
Identifiers: ClinVar variation 1410124 (VCV001410124.6), dbSNP rs2150971220, ClinGen allele CA393730793.

ClinVar aggregate classification (germline): Uncertain significance (1 of 4 stars; one submission).

Submission:

Labcorp Genetics (formerly Invitae), Labcorp
Classification: Uncertain significance. Last evaluated: 2021-08-08. Review status: criteria provided, single submitter. Criteria: Invitae Variant Classification Sherloc (09022015). Collection method: clinical testing. Allele origin: germline.
Comment: In summary, the available evidence is currently insufficient to determine the role of this variant in disease. Therefore, it has been classified as a Variant of Uncertain Significance. Algorithms developed to predict the effect of missense changes on protein structure and function (SIFT, PolyPhen-2, Align-GVGD) all suggest that this variant is likely to be tolerated. This variant has not been reported in the literature in individuals affected with RLBP1-related conditions. This variant is not present in population databases (ExAC no frequency). This sequence change replaces aspartic acid with glycine at codon 92 of the RLBP1 protein (p.Asp92Gly). The aspartic acid residue is moderately conserved and there is a moderate physicochemical difference between aspartic acid and glycine.